The following is an entry in ClinVar:

NM_016169.4(SUFU):c.80C>T (p.Ala27Val)

Genes: SUFU (SUFU negative regulator of hedgehog signaling; plus strand), LOC130004614 (ATAC-STARR-seq lymphoblastoid silent region 2764; plus strand). Cytogenetic location: 10q24.32.
Variant type: single nucleotide variant.
Coding change: c.80C>T on transcript NM_016169.4 (MANE Select); coding-DNA position 80, C replaced by T.
Protein change: p.Ala27Val; replaces alanine 27 with valine.
Molecular consequence: missense variant.
Genome position (GRCh38, 1-based): chr10:102,504,232, C>T. VCF-style: chr10-102504232-C-T. GRCh37 (hg19) VCF-style: chr10-104263989-C-T.
Other names: c.80C>T (NM_016169.3); c.80C>T, p.Ala27Val (NM_001178133.2); short protein forms A27V.
Identifiers: ClinVar variation 1495087 (VCV001495087.9), dbSNP rs1664857380, ClinGen allele CA377886386.

ClinVar aggregate classification (germline): Uncertain significance. Review status: criteria provided, multiple submitters, no conflicts (2 of 4 stars). 2 submissions from 2 submitters: Uncertain significance (2). Last evaluated 2026-06-26.

Conditions:
Gorlin syndrome. Also called: Nevoid Basal Cell Carcinoma Syndrome; Basal cell nevus syndrome. Identifiers: Orphanet 377, MedGen C0004779, MONDO:0007187.
Medulloblastoma (MDB). Also called: Medulloblastoma, somatic; MEDULLOBLASTOMA PREDISPOSITION SYNDROME. Identifiers: Orphanet 616, MedGen C0025149, MeSH D008527, MONDO:0007959, OMIM 155255, HP:0002885.
Hereditary cancer-predisposing syndrome. Also called: Hereditary Cancer Syndrome; Tumor predisposition; Neoplastic Syndromes, Hereditary; Hereditary neoplastic syndrome. Identifiers: Orphanet 140162, MedGen C0027672, MeSH D009386, MONDO:0015356.

Submissions (2):

Ambry Genetics
Classification: Uncertain significance for Hereditary cancer-predisposing syndrome. Last evaluated: 2026-06-26. Review status: criteria provided, single submitter. Criteria: Ambry Variant Classification Scheme 2023. Collection method: clinical testing. Allele origin: germline.
Comment: The p.A27V variant (also known as c.80C>T), located in coding exon 1 of the SUFU gene, results from a C to T substitution at nucleotide position 80. The alanine at codon 27 is replaced by valine, an amino acid with similar properties. This amino acid position is conserved. In addition, this alteration is predicted to be tolerated by in silico analysis. Based on the available evidence, the clinical significance of this variant remains unclear.

Labcorp Genetics (formerly Invitae), Labcorp
Classification: Uncertain significance for Gorlin syndrome; Medulloblastoma. Last evaluated: 2020-12-19. Review status: criteria provided, single submitter. Criteria: Invitae Variant Classification Sherloc (09022015). Collection method: clinical testing. Allele origin: germline.
Comment: In summary, the available evidence is currently insufficient to determine the role of this variant in disease. Therefore, it has been classified as a Variant of Uncertain Significance. Algorithms developed to predict the effect of missense changes on protein structure and function (SIFT, PolyPhen-2, Align-GVGD) all suggest that this variant is likely to be tolerated, but these predictions have not been confirmed by published functional studies and their clinical significance is uncertain. This variant has not been reported in the literature in individuals with SUFU-related conditions. This variant is not present in population databases (ExAC no frequency). This sequence change replaces alanine with valine at codon 27 of the SUFU protein (p.Ala27Val). The alanine residue is moderately conserved and there is a small physicochemical difference between alanine and valine.